The following is an entry in ClinVar:

ClinVar aggregate classification (germline): Conflicting classifications of pathogenicity. Review status: criteria provided, conflicting classifications (1 of 4 stars). 2 submissions from 2 submitters: Uncertain significance (1); Benign (1). Last evaluated 2024-04-22.

Conditions:
KMT2E-related disorder. Also called: KMT2E-related condition.

Allele frequency attached by ClinVar (database versions not stated): gnomAD exomes 0.00002; gnomAD 0.00003; ExAC 0.00004; TOPMed 0.00005; ESP Exome Variant Server 0.00008.
gnomAD v4.1: 27 of 1,555,342 alleles (0.0017%); highest among the groups gnomAD compares: Middle Eastern, 0.017%; no homozygotes.

Submissions (2):

Labcorp Genetics (formerly Invitae), Labcorp
Classification: Benign. Last evaluated: 2024-04-22. Review status: criteria provided, single submitter. Criteria: Invitae Variant Classification Sherloc (09022015). Collection method: clinical testing. Allele origin: germline.

PreventionGenetics, part of Exact Sciences
Classification: Uncertain significance for KMT2E-related condition. Last evaluated: 2023-07-03. Review status: criteria provided, single submitter. Criteria: ACMG Guidelines, 2015. Collection method: clinical testing. Allele origin: germline.
Comment: The KMT2E c.2888G>A variant is predicted to result in the amino acid substitution p.Arg963His. To our knowledge, this variant has not been reported in the literature. This variant is reported in 0.027% of alleles in individuals of East Asian descent in gnomAD. Although we suspect that this variant may be benign, at this time, the clinical significance of this variant is uncertain due to the absence of conclusive functional and genetic evidence.

NM_182931.3(KMT2E):c.2888G>A (p.Arg963His)

Gene: KMT2E (lysine methyltransferase 2E (inactive); plus strand). Cytogenetic location: 7q22.3.
Variant type: single nucleotide variant.
Coding change: c.2888G>A on transcript NM_182931.3 (MANE Select); coding-DNA position 2888, G replaced by A.
Protein change: p.Arg963His; replaces arginine 963 with histidine.
Molecular consequence: missense variant.
Genome position (GRCh38, 1-based): chr7:105,107,206, G>A. VCF-style: chr7-105107206-G-A. GRCh37 (hg19) VCF-style: chr7-104747653-G-A.
Other names: c.2888G>A, p.Arg963His (NM_001410908.1, NM_018682.4); short protein forms R963H.
Identifiers: ClinVar variation 2636027 (VCV002636027.4), dbSNP rs370198555, ClinGen allele CA4424338.